The following is an entry in ClinVar:

NM_001127644.2(GABRA1):c.853T>C (p.Phe285Leu)

Gene: GABRA1 (gamma-aminobutyric acid type A receptor subunit alpha1; plus strand). Cytogenetic location: 5q34.
Variant type: single nucleotide variant.
Coding change: c.853T>C on transcript NM_001127644.2 (MANE Select); coding-DNA position 853, T replaced by C.
Protein change: p.Phe285Leu; replaces phenylalanine 285 with leucine.
Molecular consequence: missense variant.
Genome position (GRCh38, 1-based): chr5:161,891,047, T>C. VCF-style: chr5-161891047-T-C. GRCh37 (hg19) VCF-style: chr5-161318053-T-C.
Other names: c.853T>C, p.Phe285Leu (NM_000806.5, NM_001127643.2, NM_001127645.2 and 1 more transcripts); short protein forms F285L.
Identifiers: ClinVar variation 4282470 (VCV004282470.1).
Genomic context (GRCh38, chr5:161,891,047, plus strand): 5'-GTGATTCTCTCACAAGTCTCCTTCTGGCTCAACAGAGAGTCTGTACCAGCAAGAACTGTC[T>C]TTGGTAAGTCCCAATCAAGATACATACGCAAGGAAGGGTATGGAAGACAAGTTATGTCAT-3'
Protein context (NP_001121116.1, residues 275-295): NRESVPARTV[Phe285Leu]GVTTVLTMTT

ClinVar aggregate classification (germline): Pathogenic (1 of 4 stars; one submission).

Submission:

GeneDx
Classification: Pathogenic. Last evaluated: 2025-04-11. Review status: criteria provided, single submitter. Criteria: GeneDx Variant Classification Process June 2021. Collection method: clinical testing. Allele origin: germline. Affected: yes.
Comment: Not observed at significant frequency in large population cohorts (gnomAD); In silico analysis supports that this missense variant has a deleterious effect on protein structure/function; Has not been previously published as pathogenic or benign to our knowledge